The following is an entry in ClinVar:

NM_001375524.1(TRRAP):c.52A>C (p.Met18Leu)

Gene: TRRAP (transformation/transcription domain associated protein; plus strand). Cytogenetic location: 7q22.1.
Variant type: single nucleotide variant.
Coding change: c.52A>C on transcript NM_001375524.1 (MANE Select); coding-DNA position 52, A replaced by C.
Protein change: p.Met18Leu; replaces methionine 18 with leucine.
Molecular consequence: missense variant.
Genome position (GRCh38, 1-based): chr7:98,881,202, A>C. VCF-style: chr7-98881202-A-C. GRCh37 (hg19) VCF-style: chr7-98478825-A-C.
Other names: c.52A>C, p.Met18Leu (NM_001244580.2, NM_003496.4); short protein forms M18L.
Identifiers: ClinVar variation 1326642 (VCV001326642.2), dbSNP rs1411933620, ClinGen allele CA368301129.

ClinVar aggregate classification (germline): Uncertain significance (1 of 4 stars; one submission).

Allele frequency attached by ClinVar (database versions not stated): gnomAD 0.00001; gnomAD exomes 0.00001.

Submission:

GeneDx
Classification: Uncertain significance. Last evaluated: 2021-05-29. Review status: criteria provided, single submitter. Criteria: GeneDx Variant Classification Process June 2021. Collection method: clinical testing. Allele origin: germline. Affected: yes.
Comment: Not observed at significant frequency in large population cohorts (Lek et al., 2016); In silico analysis supports that this missense variant does not alter protein structure/function; Has not been previously published as pathogenic or benign to our knowledge; This variant is associated with the following publications: (PMID: 27535533)